The following is an entry in ClinVar:

ClinVar aggregate classification (germline): Likely benign. Review status: criteria provided, multiple submitters, no conflicts (2 of 4 stars). 7 submissions from 7 submitters: Likely benign (7). Last evaluated 2025-10-26.

Conditions:
Charcot-Marie-Tooth disease dominant intermediate B (CMTDIB). Also called: Charcot-Marie-Tooth disease dominant intermediate 1; CMT DI1; Charcot-Marie-Tooth disease dominant intermediate I; CHARCOT-MARIE-TOOTH NEUROPATHY, DOMINANT INTERMEDIATE B. Identifiers: Orphanet 100044, Orphanet 228179, MedGen C1847902, MONDO:0011674, OMIM 606482.
Inborn genetic diseases. Identifiers: MedGen C0950123, MeSH D030342.
DNM2-related disorder. Also called: DNM2-related condition.

Allele frequency attached by ClinVar (database versions not stated): TOPMed 0.00003; gnomAD exomes 0.00006; ExAC 0.00007; gnomAD 0.00008 and 0.00009.
gnomAD v4.1: 102 of 1,613,854 alleles (0.0063%); highest among the groups gnomAD compares: Non-Finnish European, 0.0085%; no homozygotes.

Submissions (7):

Labcorp Genetics (formerly Invitae), Labcorp
Classification: Likely benign for Charcot-Marie-Tooth disease dominant intermediate B. Last evaluated: 2025-10-26. Review status: criteria provided, single submitter. Criteria: Invitae Variant Classification Sherloc (09022015). Collection method: clinical testing. Allele origin: germline.

PreventionGenetics, part of Exact Sciences
Classification: Likely benign for DNM2-related condition. Last evaluated: 2025-04-18. Review status: criteria provided, single submitter. Criteria: ACMG Guidelines, 2015. Collection method: clinical testing. Allele origin: germline.
Comment: This variant is classified as likely benign based on ACMG/AMP sequence variant interpretation guidelines (Richards et al. 2015 PMID: 25741868, with internal and published modifications).

Laboratory of Genetics, Children's Clinical University Hospital Latvia
Classification: Likely benign. Last evaluated: 2025-02-16. Review status: criteria provided, single submitter. Criteria: ACMG Guidelines, 2015. Collection method: clinical testing. Allele origin: germline. Affected: yes.

CeGaT Center for Human Genetics Tuebingen
Classification: Likely benign. Last evaluated: 2024-08-01. Review status: criteria provided, single submitter. Criteria: CeGaT Center For Human Genetics Tuebingen Variant Classification Criteria Version 2. Collection method: clinical testing. Allele origin: germline. Affected: yes. Observed: 1 variant allele.
Comment: DNM2: BP4, BP7

Blueprint Genetics
Classification: Likely benign. Last evaluated: 2024-04-26. Review status: criteria provided, single submitter. Criteria: ACMG Guidelines, 2015. Collection method: clinical testing. Allele origin: germline.

GeneDx
Classification: Likely benign. Last evaluated: 2020-11-04. Review status: criteria provided, single submitter. Criteria: GeneDx Variant Classification Process June 2021. Collection method: clinical testing. Allele origin: germline. Affected: yes.

Ambry Genetics
Classification: Likely benign for Inborn genetic diseases. Last evaluated: 2019-07-11. Review status: criteria provided, single submitter. Criteria: Ambry Variant Classification Scheme 2023. Collection method: clinical testing. Allele origin: germline.

NM_001005361.3(DNM2):c.2253T>C (p.Pro751=)

Gene: DNM2 (dynamin 2; plus strand). Cytogenetic location: 19p13.2.
Variant type: single nucleotide variant.
Coding change: c.2253T>C on transcript NM_001005361.3 (MANE Select); coding-DNA position 2253, T replaced by C.
Protein change: p.Pro751=; no amino-acid change (proline 751 retained).
Molecular consequence: synonymous variant.
Genome position (GRCh38, 1-based): chr19:10,829,230, T>C. VCF-style: chr19-10829230-T-C. GRCh37 (hg19) VCF-style: chr19-10939906-T-C.
Other names: c.2253T>C, p.Pro751= (NM_001005360.3, NM_001190716.2); c.2241T>C, p.Pro747= (NM_001005362.3, NM_004945.4).
Identifiers: ClinVar variation 506489 (VCV000506489.33), dbSNP rs200155565, ClinGen allele CA9201558.